The following is an entry in ClinVar:

ClinVar aggregate classification (germline): Benign (0 of 4 stars; one submission).

Conditions:
ERC1-related disorder. Also called: ERC1-related condition.

Allele frequency attached by ClinVar (database versions not stated): 1000 Genomes Project 0.00260; 1000 Genomes Project 30x 0.00265; TOPMed 0.00631; ESP Exome Variant Server 0.00746; gnomAD 0.00824.

Submission:

PreventionGenetics, part of Exact Sciences
Classification: Benign for ERC1-related condition. Last evaluated: 2019-02-22. Review status: no assertion criteria provided. Collection method: clinical testing. Allele origin: germline.
Comment: This variant is classified as benign based on ACMG/AMP sequence variant interpretation guidelines (Richards et al. 2015 PMID: 25741868, with internal and published modifications).

NM_178040.4(ERC1):c.2158-4G>A

Gene: ERC1 (ELKS/RAB6-interacting/CAST family member 1; plus strand). Cytogenetic location: 12p13.33.
Variant type: single nucleotide variant.
Coding change: c.2158-4G>A on transcript NM_178040.4 (MANE Select); 4 bases into the intron before coding-DNA position 2158, G replaced by A.
Molecular consequence: intron variant.
Genome position (GRCh38, 1-based): chr12:1,189,855, G>A. VCF-style: chr12-1189855-G-A. GRCh37 (hg19) VCF-style: chr12-1299021-G-A.
Other names: c.2074-4G>A (NM_178039.4); c.2158-4G>A (NM_001301248.1).
Identifiers: ClinVar variation 3037882 (VCV003037882.2), dbSNP rs191680119, ClinGen allele CA6384659.